The following is an entry in ClinVar:

NM_001371986.1(UNC80):c.6973C>T (p.His2325Tyr)

Gene: UNC80 (unc-80 subunit of NALCN channel complex; plus strand). Cytogenetic location: 2q34.
Variant type: single nucleotide variant.
Coding change: c.6973C>T on transcript NM_001371986.1 (MANE Select); coding-DNA position 6973, C replaced by T.
Protein change: p.His2325Tyr; replaces histidine 2325 with tyrosine.
Molecular consequence: missense variant.
Genome position (GRCh38, 1-based): chr2:209,943,437, C>T. VCF-style: chr2-209943437-C-T. GRCh37 (hg19) VCF-style: chr2-210808161-C-T.
Other names: c.6775C>T, p.His2259Tyr (NM_032504.2); c.6760C>T, p.His2254Tyr (NM_182587.4); short protein forms H2254Y, H2259Y, H2325Y.
Identifiers: ClinVar variation 1363070 (VCV001363070.8), dbSNP rs1030090807, ClinGen allele CA65042829.

ClinVar aggregate classification (germline): Uncertain significance (1 of 4 stars; one submission).

Allele frequency attached by ClinVar (database versions not stated): gnomAD exomes below 0.00001 and 0.00001; gnomAD 0.00001 and 0.00002; TOPMed 0.00002.
gnomAD v4.1: 8 of 1,552,032 alleles (0.00052%); highest among the groups gnomAD compares: Non-Finnish European, 0.0007%; no homozygotes.

Submission:

Labcorp Genetics (formerly Invitae), Labcorp
Classification: Uncertain significance. Last evaluated: 2023-10-13. Review status: criteria provided, single submitter. Criteria: Invitae Variant Classification Sherloc (09022015). Collection method: clinical testing. Allele origin: germline.
Comment: This sequence change replaces histidine with tyrosine at codon 2259 of the UNC80 protein (p.His2259Tyr). The histidine residue is weakly conserved and there is a moderate physicochemical difference between histidine and tyrosine. This variant is present in population databases (no rsID available, gnomAD 0.004%). This variant has not been reported in the literature in individuals affected with UNC80-related conditions. ClinVar contains an entry for this variant (Variation ID: 1363070). Advanced modeling of protein sequence and biophysical properties (such as structural, functional, and spatial information, amino acid conservation, physicochemical variation, residue mobility, and thermodynamic stability) performed at Invitae indicates that this missense variant is not expected to disrupt UNC80 protein function. In summary, the available evidence is currently insufficient to determine the role of this variant in disease. Therefore, it has been classified as a Variant of Uncertain Significance.